The following is an entry in ClinVar:

NM_001457.4(FLNB):c.1178_1180del (p.Val393del)

Gene: FLNB (filamin B; plus strand). Cytogenetic location: 3p14.3.
Variant type: Deletion.
Coding change: c.1178_1180del on transcript NM_001457.4 (MANE Select); coding-DNA positions 1178 to 1180, 3 bases deleted (TGG; older notation c.1178_1180delTGG).
Protein change: p.Val393del; deletes valine 393.
Molecular consequence: inframe deletion.
Genome position (GRCh38, 1-based): chr3:58,098,741-58,098,743, TGG deleted; deleting any 3 consecutive bases within chr3:58,098,739-58,098,743 gives the same sequence; the c. name uses the placement nearest the transcript's 3' end. VCF-style (leftmost placement, unchanged base first): chr3-58098738-AGGT-A. GRCh37 (hg19) VCF-style: chr3-58084465-AGGT-A.
Other names: c.1178_1180del, p.Val393del (NM_001164317.2, NM_001164318.2, NM_001164319.2); short protein forms V393del.
Identifiers: ClinVar variation 2821744 (VCV002821744.3), dbSNP rs2471053011, ClinGen allele CA2739278829.

ClinVar aggregate classification (germline): Uncertain significance (1 of 4 stars; one submission).

Submission:

Labcorp Genetics (formerly Invitae), Labcorp
Classification: Uncertain significance. Last evaluated: 2024-11-19. Review status: criteria provided, single submitter. Criteria: Invitae Variant Classification Sherloc (09022015). Collection method: clinical testing. Allele origin: germline.
Comment: This variant, c.1178_1180del, results in the deletion of 1 amino acid(s) of the FLNB protein (p.Val393del), but otherwise preserves the integrity of the reading frame. This variant is not present in population databases (gnomAD no frequency). This variant has been observed in individual(s) with Larsen syndrome (internal data). ClinVar contains an entry for this variant (Variation ID: 2821744). Experimental studies and prediction algorithms are not available or were not evaluated, and the functional significance of this variant is currently unknown. In summary, the available evidence is currently insufficient to determine the role of this variant in disease. Therefore, it has been classified as a Variant of Uncertain Significance.